The following is an entry in ClinVar:

ClinVar aggregate classification (germline): Benign/Likely benign. Review status: criteria provided, multiple submitters, no conflicts (2 of 4 stars). 3 submissions from 3 submitters: Benign (1); Likely benign (2). Last evaluated 2024-12-20.

Conditions:
Hereditary cancer-predisposing syndrome. Also called: Hereditary Cancer Syndrome; Neoplastic Syndromes, Hereditary; Hereditary neoplastic syndrome; Tumor predisposition. Identifiers: Orphanet 140162, MedGen C0027672, MeSH D009386, MONDO:0015356.
Hereditary nonpolyposis colorectal neoplasms. Identifiers: MedGen C0009405, MeSH D003123.
Lynch syndrome 5 (LYNCH5). Also called: Hereditary non-polyposis colorectal cancer, type 5; Colorectal cancer, hereditary nonpolyposis, type 5. Identifiers: Orphanet 144, MedGen C1833477, MONDO:0013710, OMIM 614350. Disease mechanism: loss of function.

Allele frequency attached by ClinVar (database versions not stated): gnomAD exomes below 0.00001.
gnomAD v4.1: 1 of 1,614,200 alleles (0.000062%); highest among the groups gnomAD compares: Non-Finnish European, 0.000085%; no homozygotes.

Submissions (3):

Myriad Genetics, Inc.
Classification: Benign for Lynch syndrome 5. Last evaluated: 2024-12-20. Review status: criteria provided, single submitter. Criteria: Myriad Autosomal Dominant, Autosomal Recessive and X-Linked Classification Criteria (2023). Collection method: clinical testing. Allele origin: unknown.
Comment: This variant is considered benign. This variant is a silent/synonymous amino acid change and it is not expected to impact splicing.

Ambry Genetics
Classification: Likely benign for Hereditary cancer-predisposing syndrome. Last evaluated: 2024-06-27. Review status: criteria provided, single submitter. Criteria: Ambry Variant Classification Scheme 2023. Collection method: clinical testing. Allele origin: germline.

Labcorp Genetics (formerly Invitae), Labcorp
Classification: Likely benign for Hereditary nonpolyposis colorectal neoplasms. Last evaluated: 2024-03-16. Review status: criteria provided, single submitter. Criteria: Invitae Variant Classification Sherloc (09022015). Collection method: clinical testing. Allele origin: germline.

NM_000179.3(MSH6):c.792A>G (p.Glu264=)

Gene: MSH6 (mutS homolog 6; plus strand). Cytogenetic location: 2p16.3.
Variant type: single nucleotide variant.
Coding change: c.792A>G on transcript NM_000179.3 (MANE Select); coding-DNA position 792, A replaced by G.
Protein change: p.Glu264=; no amino-acid change (glutamic acid 264 retained).
Molecular consequence: synonymous variant. On other transcripts: 5 prime UTR variant (9), non-coding transcript variant (4), intron variant (1).
Genome position (GRCh38, 1-based): chr2:47,798,775, A>G. VCF-style: chr2-47798775-A-G. GRCh37 (hg19) VCF-style: chr2-48025914-A-G.
Other names: c.402A>G, p.Glu134= (NM_001281492.2); c.-115A>G (NM_001281493.2, NM_001281494.2, NM_001406811.1 and 6 more transcripts); c.888A>G, p.Glu296= (NM_001406795.1, NM_001406802.1); c.792A>G, p.Glu264= (NM_001406796.1, NM_001406798.1, NM_001406800.1 and 4 more transcripts); c.495A>G, p.Glu165= (NM_001406797.1, NM_001406801.1, NM_001406805.1 and 10 more transcripts); c.267A>G, p.Glu89= (NM_001406799.1, NM_001406806.1, NM_001406807.1); c.714A>G, p.Glu238= (NM_001406804.1); c.798A>G, p.Glu266= (NM_001406813.1); and 2 more.
Identifiers: ClinVar variation 2031912 (VCV002031912.6), dbSNP rs876661253, ClinGen allele CA426120805.